The following is an entry in ClinVar:

ClinVar aggregate classification (germline): Uncertain significance (1 of 4 stars; one submission).

gnomAD v4.1: 14 of 1,613,888 alleles (0.00087%); highest among the groups gnomAD compares: African/African-American, 0.019%; no homozygotes.

Submission:

Labcorp Genetics (formerly Invitae), Labcorp
Classification: Uncertain significance. Last evaluated: 2025-06-12. Review status: criteria provided, single submitter. Criteria: Invitae Variant Classification Sherloc (09022015). Collection method: clinical testing. Allele origin: germline.
Comment: This sequence change replaces threonine, which is neutral and polar, with proline, which is neutral and non-polar, at codon 1098 of the ERBB4 protein (p.Thr1098Pro). The frequency data for this variant in the population databases is considered unreliable, as metrics indicate poor data quality at this position in the gnomAD database. This variant has not been reported in the literature in individuals affected with ERBB4-related conditions. ClinVar contains an entry for this variant (Variation ID: 2906864). An algorithm developed to predict the effect of missense changes on protein structure and function (PolyPhen-2) suggests that this variant is likely to be tolerated. In summary, the available evidence is currently insufficient to determine the role of this variant in disease. Therefore, it has been classified as a Variant of Uncertain Significance.

NM_005235.3(ERBB4):c.3292A>C (p.Thr1098Pro)

Gene: ERBB4 (erb-b2 receptor tyrosine kinase 4; minus strand). Cytogenetic location: 2q34.
Variant type: single nucleotide variant.
Coding change: c.3292A>C on transcript NM_005235.3 (MANE Select); coding-DNA position 3292, A replaced by C.
Protein change: p.Thr1098Pro; replaces threonine 1098 with proline.
Molecular consequence: missense variant.
Genome position (GRCh38, 1-based): chr2:211,387,042, T>G on the plus strand (A>C on the coding strand, the complement: ERBB4 is on the minus strand). VCF-style: chr2-211387042-T-G. GRCh37 (hg19) VCF-style: chr2-212251767-T-G.
Other names: c.3244A>C, p.Thr1082Pro (NM_001042599.2); short protein forms T1098P, T1082P.
Identifiers: ClinVar variation 2906864 (VCV002906864.3), dbSNP rs1278487985, ClinGen allele CA350780800.